The following is an entry in ClinVar:

ClinVar aggregate classification (germline): Uncertain significance. Review status: criteria provided, multiple submitters, no conflicts (2 of 4 stars). 2 submissions from 2 submitters: Uncertain significance (2). Last evaluated 2021-02-26.

Conditions:
Early-infantile DEE. Also called: Early infantile epileptic encephalopathy with suppression bursts; Early infantile epileptic encephalopathy; Ohtahara syndrome. Identifiers: Orphanet 1934, MedGen C0393706, MONDO:0800491.

Submissions (2):

GeneDx
Classification: Uncertain significance. Last evaluated: 2021-02-26. Review status: criteria provided, single submitter. Criteria: GeneDx Variant Classification Process June 2021. Collection method: clinical testing. Allele origin: germline. Affected: yes.
Comment: Not observed in large population cohorts (Lek et al., 2016); Missense variants in this gene are often considered pathogenic (Stenson et al., 2014); In silico analysis supports that this missense variant has a deleterious effect on protein structure/function; Has not been previously published as pathogenic or benign to our knowledge; This substitution is predicted to be in the cytoplasmic loop between the first and second homologous domains

Labcorp Genetics (formerly Invitae), Labcorp
Classification: Uncertain significance for Early-infantile DEE. Last evaluated: 2019-03-06. Review status: criteria provided, single submitter. Criteria: Invitae Variant Classification Sherloc (09022015). Collection method: clinical testing. Allele origin: germline.
Comment: In summary, the available evidence is currently insufficient to determine the role of this variant in disease. Therefore, it has been classified as a Variant of Uncertain Significance. This variant identified in the SCN1A gene is located in the cytoplasmic interdomain linker L1 region of the resulting protein (PMID: 25348405, 18804930), but it is unclear how this variant impacts the function of this protein. Algorithms developed to predict the effect of missense changes on protein structure and function are either unavailable or do not agree on the potential impact of this missense change (SIFT: "Deleterious"; PolyPhen-2: "Probably Damaging"; Align-GVGD: "Class C15"). This variant has not been reported in the literature in individuals with SCN1A-related disease. This variant is not present in population databases (ExAC no frequency). This sequence change replaces threonine with isoleucine at codon 684 of the SCN1A protein (p.Thr684Ile). The threonine residue is highly conserved and there is a moderate physicochemical difference between threonine and isoleucine.

Literature cited by the submitters: PubMed 25348405 (cited by Labcorp Genetics (formerly Invitae), Labcorp); PubMed 18804930 (cited by Labcorp Genetics (formerly Invitae), Labcorp).

NM_001165963.4(SCN1A):c.2051C>T (p.Thr684Ile)

Gene: SCN1A (sodium voltage-gated channel alpha subunit 1; minus strand). Cytogenetic location: 2q24.3.
Variant type: single nucleotide variant.
Coding change: c.2051C>T on transcript NM_001165963.4 (MANE Select); coding-DNA position 2051, C replaced by T.
Protein change: p.Thr684Ile; replaces threonine 684 with isoleucine.
Molecular consequence: missense variant. On other transcripts: 5 prime UTR variant (1), non-coding transcript variant (1).
Genome position (GRCh38, 1-based): chr2:166,042,417, G>A on the plus strand (C>T on the coding strand, the complement: SCN1A is on the minus strand). VCF-style: chr2-166042417-G-A. GRCh37 (hg19) VCF-style: chr2-166898927-G-A.
Other names: c.1967C>T, p.Thr656Ile (NM_001165964.3, NM_001353957.2, NM_001353958.2); c.2051C>T, p.Thr684Ile (NM_001202435.3, NM_001353948.2); c.2018C>T, p.Thr673Ile (NM_001353949.2, NM_001353950.2, NM_001353951.2 and 2 more transcripts); c.2015C>T, p.Thr672Ile (NM_001353954.2, NM_001353955.2); c.1964C>T, p.Thr655Ile (NM_001353960.2); c.-408C>T (NM_001353961.2); short protein forms T655I, T656I, T672I, T673I, T684I.
Identifiers: ClinVar variation 643782 (VCV000643782.11), dbSNP rs1574209746, ClinGen allele CA349066164.